The following is an entry in ClinVar:

ClinVar aggregate classification (germline): Uncertain significance. Review status: criteria provided, multiple submitters, no conflicts (2 of 4 stars). 4 submissions from 4 submitters: Uncertain significance (4). Last evaluated 2024-12-10.

Conditions:
Inborn genetic diseases. Identifiers: MedGen C0950123, MeSH D030342.
Fraser syndrome 1 (FRASRS1). Also called: CRYPTOPHTHALMOS WITH OTHER MALFORMATIONS. Identifiers: Orphanet 2052, MedGen C4551480, MONDO:0054737, OMIM 219000.

Allele frequency attached by ClinVar (database versions not stated): gnomAD 0.00003; TOPMed 0.00003; gnomAD exomes 0.00005 and 0.00010; ExAC 0.00013.
gnomAD v4.1: 76 of 1,613,540 alleles (0.0047%); highest among the groups gnomAD compares: East Asian, 0.12%; no homozygotes.

Submissions (4):

Ambry Genetics
Classification: Uncertain significance for Inborn genetic diseases. Last evaluated: 2024-12-10. Review status: criteria provided, single submitter. Criteria: Ambry Variant Classification Scheme 2023. Collection method: clinical testing. Allele origin: germline.

Labcorp Genetics (formerly Invitae), Labcorp
Classification: Uncertain significance. Last evaluated: 2022-06-13. Review status: criteria provided, single submitter. Criteria: Invitae Variant Classification Sherloc (09022015). Collection method: clinical testing. Allele origin: germline.
Comment: This sequence change replaces arginine, which is basic and polar, with glutamine, which is neutral and polar, at codon 2269 of the FRAS1 protein (p.Arg2269Gln). This variant is present in population databases (rs771923121, gnomAD 0.09%). This variant has not been reported in the literature in individuals affected with FRAS1-related conditions. ClinVar contains an entry for this variant (Variation ID: 349744). Algorithms developed to predict the effect of missense changes on protein structure and function output the following: SIFT: "Tolerated"; PolyPhen-2: "Benign"; Align-GVGD: "Class C0". The glutamine amino acid residue is found in multiple mammalian species, which suggests that this missense change does not adversely affect protein function. In summary, the available evidence is currently insufficient to determine the role of this variant in disease. Therefore, it has been classified as a Variant of Uncertain Significance.

Fulgent Genetics
Classification: Uncertain significance for Fraser syndrome 1. Last evaluated: 2022-04-28. Review status: criteria provided, single submitter. Criteria: ACMG Guidelines, 2015. Collection method: clinical testing. Allele origin: unknown.

Illumina Laboratory Services, Illumina
Classification: Uncertain significance for Fraser syndrome 1. Last evaluated: 2018-01-13. Review status: criteria provided, single submitter. Criteria: ICSL Variant Classification Criteria 13 December 2019. Collection method: clinical testing. Allele origin: germline.

NM_025074.7(FRAS1):c.6806G>A (p.Arg2269Gln)

Gene: FRAS1 (Fraser extracellular matrix complex subunit 1; plus strand). Cytogenetic location: 4q21.21.
Variant type: single nucleotide variant.
Coding change: c.6806G>A on transcript NM_025074.7 (MANE Select); coding-DNA position 6806, G replaced by A.
Protein change: p.Arg2269Gln; replaces arginine 2269 with glutamine.
Molecular consequence: missense variant.
Genome position (GRCh38, 1-based): chr4:78,464,063, G>A. VCF-style: chr4-78464063-G-A. GRCh37 (hg19) VCF-style: chr4-79385217-G-A.
Other names: short protein forms R2269Q.
Identifiers: ClinVar variation 349744 (VCV000349744.8), dbSNP rs771923121, ClinGen allele CA2977895.